The following is an entry in ClinVar:

NM_005422.4(TECTA):c.5977C>T (p.Arg1993Ter)

Genes: TBCEL-TECTA (TBCEL-TECTA readthrough; plus strand), TECTA (tectorin alpha; plus strand). Cytogenetic location: 11q23.3.
Variant type: single nucleotide variant.
Coding change: c.5977C>T on transcript NM_005422.4 (MANE Select); coding-DNA position 5977, C replaced by T.
Protein change: p.Arg1993Ter; replaces arginine 1993 with a stop codon.
Molecular consequence: nonsense.
Genome position (GRCh38, 1-based): chr11:121,168,903, C>T. VCF-style: chr11-121168903-C-T. GRCh37 (hg19) VCF-style: chr11-121039612-C-T.
Other names: c.6919C>T, p.Arg2307Ter (NM_001378761.1); short protein forms R1993*, R2307*.
Identifiers: ClinVar variation 228404 (VCV000228404.13), dbSNP rs760574657, ClinGen allele CA6327846.

ClinVar aggregate classification (germline): Pathogenic/Likely pathogenic. Review status: criteria provided, multiple submitters, no conflicts (2 of 4 stars). 4 submissions from 4 submitters: Pathogenic (2); Likely pathogenic (2). Last evaluated 2025-07-22.

Conditions:
Rare genetic deafness. Identifiers: Orphanet 96210, MedGen C5680250.
TECTA-related disorder. Also called: TECTA-related condition.

Allele frequency attached by ClinVar (database versions not stated): TOPMed 0.00003; ExAC 0.00002; gnomAD 0.00002; gnomAD exomes 0.00002.

Submissions (4):

GeneDx
Classification: Likely pathogenic. Last evaluated: 2025-07-22. Review status: criteria provided, single submitter. Criteria: GeneDx Variant Classification Process June 2021. Collection method: clinical testing. Allele origin: germline. Affected: yes.
Comment: Reported in a patient in published literature (PMID: 31980526); however, clinical data is limited; Nonsense variant predicted to result in protein truncation or nonsense mediated decay in a gene for which loss of function is a known mechanism of disease; This variant is associated with the following publications: (PMID: 21520338, 18575463, 31589614, 31980526)

Blueprint Genetics
Classification: Likely pathogenic for TECTA-related disorders. Last evaluated: 2022-06-17. Review status: criteria provided, single submitter. Criteria: ACMG Guidelines, 2015. Collection method: clinical testing. Allele origin: germline. Affected: yes. Observed: 1 variant allele.

Knight Diagnostic Laboratories, Oregon Health and Sciences University
Classification: Pathogenic. Last evaluated: 2017-01-09. Review status: criteria provided, single submitter. Criteria: ACMG Guidelines, 2015. Collection method: clinical testing. Allele origin: germline. Observed: 1 variant allele.

Laboratory for Molecular Medicine, Mass General Brigham Personalized Medicine
Classification: Pathogenic for Rare genetic deafness. Last evaluated: 2016-01-03. Review status: criteria provided, single submitter. Criteria: LMM Criteria. Collection method: clinical testing. Allele origin: germline. Inheritance: Autosomal recessive inheritance. Observed: 1 variant allele.
Comment: The p.Arg1993X variant in TECTA has not been previously reported in individuals with hearing loss and has been identified in 2/11544 Latino chromosomes by the E xome Aggregation Consortium (ExAC; dbSNP rs76057 4657). Although this variant has been seen in the general population, its freque ncy is low enough to be consistent with a recessive carrier frequency. This nons ense variant leads to a premature termination codon at position 1993 which is pr edicted to lead to a truncated or absent protein. Loss of function of the TECTA gene is an established disease mechanism in autosomal recessive hearing loss. In addition, some variants that result in a truncated protein may have the potenti al to cause hearing loss inherited in an autosomal dominant pattern (Colin 2008, Hildebrand 2011). However, there is insufficient evidence to predict whether th e p.Arg1993X variant can also lead to dominantly inherited hearing loss. In summ ary, this variant meets our criteria to be classified as pathogenic for hearing loss in an autosomal recessive manner based on the predicted impact of the varia nt on the protein.

Literature cited by the submitters: PubMed 21520338 (cited by Laboratory for Molecular Medicine, Mass General Brigham Personalized Medicine); PubMed 18575463 (cited by Laboratory for Molecular Medicine, Mass General Brigham Personalized Medicine).